The following is an entry in ClinVar:

NM_020882.4(COL20A1):c.525C>T (p.Pro175=)

Gene: COL20A1 (collagen type XX alpha 1 chain; plus strand). Cytogenetic location: 20q13.33.
Variant type: single nucleotide variant.
Coding change: c.525C>T on transcript NM_020882.4 (MANE Select); coding-DNA position 525, C replaced by T.
Protein change: p.Pro175=; no amino-acid change (proline 175 retained).
Molecular consequence: synonymous variant.
Genome position (GRCh38, 1-based): chr20:63,307,518, C>T. VCF-style: chr20-63307518-C-T. GRCh37 (hg19) VCF-style: chr20-61938870-C-T.
Identifiers: ClinVar variation 2652520 (VCV002652520.24), dbSNP rs771551505, ClinGen allele CA9955665.

ClinVar aggregate classification (germline): Likely benign (1 of 4 stars; one submission).

Allele frequency attached by ClinVar (database versions not stated): TOPMed 0.00004; gnomAD 0.00006; gnomAD exomes 0.00007; ExAC 0.00015.
gnomAD v4.1: 111 of 1,612,258 alleles (0.0069%); highest among the groups gnomAD compares: Middle Eastern, 0.049%; no homozygotes.

Submission:

CeGaT Center for Human Genetics Tuebingen
Classification: Likely benign. Last evaluated: 2022-09-01. Review status: criteria provided, single submitter. Criteria: CeGaT Center For Human Genetics Tuebingen Variant Classification Criteria Version 2. Collection method: clinical testing. Allele origin: germline. Affected: yes. Observed: 1 variant allele.
Comment: COL20A1: BP4, BP7